The following is an entry in ClinVar:

ClinVar aggregate classification (germline): Benign/Likely benign. Review status: criteria provided, multiple submitters, no conflicts (2 of 4 stars). 11 submissions from 11 submitters: Benign (6); Likely benign (4). 1 of the submissions does not count toward it. Last evaluated 2026-02-04.

Conditions:
Thrombocytopenia 2 (THC2). Also called: ANKRD26-Related Thrombocytopenia. Identifiers: Orphanet 268322, MedGen C1861185, MONDO:0008555, OMIM 188000.

Allele frequency attached by ClinVar (database versions not stated): gnomAD 0.00781 and 0.00796; 1000 Genomes Project 30x 0.00812; ESP Exome Variant Server 0.00828; 1000 Genomes Project 0.00839; TOPMed 0.00844; gnomAD exomes 0.01004 and 0.01080; ExAC 0.01005.
gnomAD v4.1: 17,122 of 1,607,452 alleles (1.1%); highest among the groups gnomAD compares: Middle Eastern, 4.3%; 150 homozygotes.

Submissions (11):

Labcorp Genetics (formerly Invitae), Labcorp
Classification: Benign. Last evaluated: 2026-02-04. Review status: criteria provided, single submitter. Criteria: Invitae Variant Classification Sherloc (09022015). Collection method: clinical testing. Allele origin: germline.

ARUP Laboratories, Molecular Genetics and Genomics, ARUP Laboratories
Classification: Benign for Thrombocytopenia 2. Last evaluated: 2025-02-28. Review status: criteria provided, single submitter. Criteria: ARUP Molecular Germline Variant Investigation Process 2024. Collection method: clinical testing. Allele origin: germline.

Blueprint Genetics
Classification: Likely benign. Last evaluated: 2024-11-25. Review status: criteria provided, single submitter. Criteria: ACMG Guidelines, 2015. Collection method: clinical testing. Allele origin: germline.

Mayo Clinic Laboratories, Mayo Clinic
Classification: Benign. Last evaluated: 2024-10-08. Review status: criteria provided, single submitter. Criteria: ACMG Guidelines, 2015. Collection method: clinical testing. Allele origin: germline. Observed: 19 variant alleles.
Comment: BS1, BS2

GeneDx
Classification: Likely benign. Last evaluated: 2024-04-18. Review status: criteria provided, single submitter. Criteria: GeneDx Variant Classification Process June 2021. Collection method: clinical testing. Allele origin: germline. Affected: yes.
Comment: See Variant Classification Assertion Criteria.

Genome-Nilou Lab
Classification: Benign for Thrombocytopenia 2. Last evaluated: 2021-12-05. Review status: criteria provided, single submitter. Criteria: ACMG Guidelines, 2015. Collection method: clinical testing. Allele origin: germline. Affected: no.

Fulgent Genetics
Classification: Likely benign for Thrombocytopenia 2. Last evaluated: 2021-08-06. Review status: criteria provided, single submitter. Criteria: ACMG Guidelines, 2015. Collection method: clinical testing. Allele origin: unknown.

Genetic Services Laboratory, University of Chicago
Classification: Benign. Last evaluated: 2020-04-22. Review status: criteria provided, single submitter. Criteria: ACMG Guidelines, 2015. Collection method: clinical testing. Allele origin: germline. Affected: no.

Illumina Laboratory Services, Illumina
Classification: Benign for Thrombocytopenia 2. Last evaluated: 2018-01-12. Review status: criteria provided, single submitter. Criteria: ICSL Variant Classification Criteria 13 December 2019. Collection method: clinical testing. Allele origin: germline.
Comment: This variant was observed in the ICSL laboratory as part of a predisposition screen in an ostensibly healthy population. It had not been previously curated by ICSL or reported in the Human Gene Mutation Database (HGMD: prior to June 1st, 2018), and was therefore a candidate for classification through an automated scoring system. Utilizing variant allele frequency, disease prevalence and penetrance estimates, and inheritance mode, an automated score was calculated to assess if this variant is too frequent to cause the disease. Based on the score and internal cut-off values, a variant classified as benign is not then subjected to further curation. The score for this variant resulted in a classification of benign for this disease.

Breakthrough Genomics
Classification: Likely benign. Review status: criteria provided, single submitter. Criteria: ACMG Guidelines, 2015. Collection method: not provided. Allele origin: germline. Inheritance: Autosomal dominant inheritance. Affected: yes.

Department of Pathology and Laboratory Medicine, Sinai Health System
Classification: Likely benign. Review status: no assertion criteria provided. Collection method: clinical testing. Allele origin: unknown. Affected: yes. Study: The Canadian Open Genetics Repository (COGR). Not counted in ClinVar's aggregate classification.
Comment: The ANKRD26 p.Val1218Ile variant was not identified in the literature nor was it identified in ClinVar or LOVD 3.0. The variant was identified in dbSNP (ID: rs146819984) and in Cosmic (FATHMM predicted pathogenic; score=0.97). The variant was also identified in control databases in 2723 of 280428 chromosomes (32 homozygous) at a frequency of 0.00971 increasing the likelihood this could be a low frequency benign variant (Genome Aggregation Database Feb 27, 2017). The variant was observed in the following populations: South Asian in 635 of 30534 chromosomes (freq: 0.0208), Ashkenazi Jewish in 210 of 10358 chromosomes (freq: 0.02027), European (non-Finnish) in 1445 of 128484 chromosomes (freq: 0.01125), Other in 78 of 7130 chromosomes (freq: 0.01094), Latino in 198 of 35314 chromosomes (freq: 0.005607), European (Finnish) in 82 of 24966 chromosomes (freq: 0.003284), African in 73 of 24184 chromosomes (freq: 0.003019) and East Asian in 2 of 19458 chromosomes (freq: 0.000103). The p.Val1218 residue is not conserved in mammals and four out of five computational analyses (PolyPhen-2, SIFT, AlignGVGD, BLOSUM, MutationTaster) do not suggest a high likelihood of impact to the protein; however, this information is not predictive enough to rule out pathogenicity. The p.Val1218Il variant occurs in the first base of the exon. This position has been shown to be part of the splicing consensus sequence and variants involving this position sometimes affect splicing. However, 3 of 4 in silico or computational prediction software programs (SpliceSiteFinder, NNSPLICE, GeneSplicer) do not predict a difference in splicing. In summary, based on the above information the clinical significance of this variant cannot be determined with certainty at this time although we would lean towards a more benign role for this variant. This variant is classified as likely benign.

NM_014915.3(ANKRD26):c.3655G>A (p.Val1219Ile)

Gene: ANKRD26 (ankyrin repeat domain 26; minus strand). Cytogenetic location: 10p12.1.
Variant type: single nucleotide variant.
Coding change: c.3655G>A on transcript NM_014915.3 (MANE Select); coding-DNA position 3655, G replaced by A.
Protein change: p.Val1219Ile; replaces valine 1219 with isoleucine.
Molecular consequence: missense variant.
Genome position (GRCh38, 1-based): chr10:27,033,377, C>T on the plus strand (G>A on the coding strand, the complement: ANKRD26 is on the minus strand). VCF-style: chr10-27033377-C-T. GRCh37 (hg19) VCF-style: chr10-27322306-C-T.
Other names: p.Val1219Ile; c.3652G>A, p.Val1218Ile (NM_001256053.2); short protein forms V1218I, V1219I.
Identifiers: ClinVar variation 878252 (VCV000878252.24), dbSNP rs146819984, ClinGen allele CA5447990.